The following is an entry in ClinVar:

NM_206933.4(USH2A):c.10741-2A>G

Gene: USH2A (usherin; minus strand). Cytogenetic location: 1q41.
Variant type: single nucleotide variant.
Coding change: c.10741-2A>G on transcript NM_206933.4 (MANE Select); the canonical splice acceptor site of the intron before coding-DNA position 10741, A replaced by G.
Molecular consequence: splice acceptor variant.
Genome position (GRCh38, 1-based): chr1:215,780,043, T>C on the plus strand (A>G on the coding strand, the complement: USH2A is on the minus strand). VCF-style: chr1-215780043-T-C. GRCh37 (hg19) VCF-style: chr1-215953385-T-C.
Identifiers: ClinVar variation 4817073 (VCV004817073.1).

ClinVar aggregate classification (germline): Likely pathogenic (1 of 4 stars; one submission).

Conditions:
Usher syndrome type 2A. Also called: RETINAL DISEASE IN USHER SYNDROME TYPE IIA, MODIFIER OF; USHER SYNDROME, TYPE IIA. Identifiers: Orphanet 231178, Orphanet 886, MedGen C1848634, MONDO:0010169, OMIM 276901.

gnomAD v4.1: 1 of 1,614,004 alleles (0.000062%); no homozygotes.

Submission:

Natera, Inc.
Classification: Likely pathogenic for Usher syndrome type 2A. Last evaluated: 2025-10-10. Review status: criteria provided, single submitter. Criteria: Natera Variant Classification Schema (03/2026). Collection method: clinical testing. Allele origin: germline.
Comment: The c.10741-2A>G variant in USH2A is a canonical splice acceptor site variant predicted to affect pre-mRNA splicing, which may result in an abnormal transcript and altered protein product. This variant is expected to result in nonsense mediated decay, truncation, or a dysfunctional protein product. This variant is rare in the general population with a frequency below the threshold expected for the associated phenotype(s). Given the available evidence, this variant is classified as Likely Pathogenic.